The following is an entry in ClinVar:

ClinVar aggregate classification (germline): Uncertain significance (0 of 4 stars; one submission).

Allele frequency attached by ClinVar (database versions not stated): gnomAD 0.00001; TOPMed below 0.00001.
gnomAD v4.1: 1 of 1,614,060 alleles (0.000062%); highest among the groups gnomAD compares: African/African-American, 0.0013%; no homozygotes.

Submission:

Martin Pollak Laboratory,  Beth Israel Deaconess Medical Center
Classification: Uncertain significance. Review status: no assertion criteria provided. Collection method: not provided. Allele origin: unknown.
Comment: Lower UCa2+ group
ClinVar note: Converted during submission from unknown to Uncertain significance.

NM_018646.6(TRPV6):c.1463G>A (p.Ser488Asn)

Gene: TRPV6 (transient receptor potential cation channel subfamily V member 6; minus strand). Cytogenetic location: 7q34.
Variant type: single nucleotide variant.
Coding change: c.1463G>A on transcript NM_018646.6 (MANE Select); coding-DNA position 1463, G replaced by A.
Protein change: p.Ser488Asn; replaces serine 488 with asparagine.
Molecular consequence: missense variant.
Genome position (GRCh38, 1-based): chr7:142,874,600, C>T on the plus strand (G>A on the coding strand, the complement: TRPV6 is on the minus strand). VCF-style: chr7-142874600-C-T. GRCh37 (hg19) VCF-style: chr7-142572353-C-T.
Other names: short protein forms S488N.
Identifiers: ClinVar variation 64564 (VCV000064564.2), dbSNP rs387907547, ClinGen allele CA216413.